The following is an entry in ClinVar:

ClinVar aggregate classification (germline): Uncertain significance (1 of 4 stars; one submission).

Conditions:
Chédiak-Higashi syndrome (CHS). Also called: Chediak-Higashi Syndrome. Identifiers: Orphanet 167, MedGen C0007965, MONDO:0008963, OMIM 214500.

Allele frequency attached by ClinVar (database versions not stated): gnomAD exomes below 0.00001; TOPMed below 0.00001; gnomAD 0.00001.
gnomAD v4.1: 4 of 1,613,820 alleles (0.00025%); highest among the groups gnomAD compares: Non-Finnish European, 0.00025%; no homozygotes.

Submission:

Labcorp Genetics (formerly Invitae), Labcorp
Classification: Uncertain significance for Chédiak-Higashi syndrome. Last evaluated: 2019-11-06. Review status: criteria provided, single submitter. Criteria: Invitae Variant Classification Sherloc (09022015). Collection method: clinical testing. Allele origin: germline.
Comment: Algorithms developed to predict the effect of sequence changes on RNA splicing suggest that this variant may create or strengthen a splice site, but this prediction has not been confirmed by published transcriptional studies. In summary, the available evidence is currently insufficient to determine the role of this variant in disease. Therefore, it has been classified as a Variant of Uncertain Significance. Algorithms developed to predict the effect of missense changes on protein structure and function are either unavailable or do not agree on the potential impact of this missense change (SIFT: "Tolerated"; PolyPhen-2: "Probably Damaging"; Align-GVGD: "Class C0"). This variant has not been reported in the literature in individuals with LYST-related conditions. This variant is not present in population databases (ExAC no frequency). This sequence change replaces glycine with serine at codon 3241 of the LYST protein (p.Gly3241Ser). The glycine residue is highly conserved and there is a small physicochemical difference between glycine and serine.

NM_000081.4(LYST):c.9721G>A (p.Gly3241Ser)

Gene: LYST (lysosomal trafficking regulator; minus strand). Cytogenetic location: 1q42.3.
Variant type: single nucleotide variant.
Coding change: c.9721G>A on transcript NM_000081.4 (MANE Select); coding-DNA position 9721, G replaced by A.
Protein change: p.Gly3241Ser; replaces glycine 3241 with serine.
Molecular consequence: missense variant.
Genome position (GRCh38, 1-based): chr1:235,715,264, C>T on the plus strand (G>A on the coding strand, the complement: LYST is on the minus strand). VCF-style: chr1-235715264-C-T. GRCh37 (hg19) VCF-style: chr1-235878564-C-T.
Other names: c.9721G>A, p.Gly3241Ser (NM_001301365.1); short protein forms G3241S.
Identifiers: ClinVar variation 957682 (VCV000957682.4), dbSNP rs1662735279, ClinGen allele CA344939284.